The following is an entry in ClinVar:

NM_139076.3(ABRAXAS1):c.31T>C (p.Ser11Pro)

Genes: ABRAXAS1 (abraxas 1, BRCA1 A complex subunit; minus strand), LOC129992784 (ATAC-STARR-seq lymphoblastoid silent region 15542; plus strand). Cytogenetic location: 4q21.23.
Variant type: single nucleotide variant.
Coding change: c.31T>C on transcript NM_139076.3 (MANE Select); coding-DNA position 31, T replaced by C.
Protein change: p.Ser11Pro; replaces serine 11 with proline.
Molecular consequence: missense variant. On other transcripts: 5 prime UTR variant (1).
Genome position (GRCh38, 1-based): chr4:83,485,042, A>G on the plus strand (T>C on the coding strand, the complement: ABRAXAS1 is on the minus strand). VCF-style: chr4-83485042-A-G. GRCh37 (hg19) VCF-style: chr4-84406195-A-G.
Other names: c.31T>C (NM_139076.2); c.-230T>C (NM_001345962.2); short protein forms S11P.
Identifiers: ClinVar variation 2035845 (VCV002035845.6), dbSNP rs560120733, ClinGen allele CA357264047.

ClinVar aggregate classification (germline): Uncertain significance. Review status: criteria provided, multiple submitters, no conflicts (2 of 4 stars). 2 submissions from 2 submitters: Uncertain significance (2). Last evaluated 2025-11-20.

gnomAD v4.1: 4 of 1,595,932 alleles (0.00025%); highest among the groups gnomAD compares: Middle Eastern, 0.017%; no homozygotes.

Submissions (2):

Ambry Genetics
Classification: Uncertain significance. Last evaluated: 2025-11-20. Review status: criteria provided, single submitter. Criteria: Ambry Variant Classification Scheme 2023. Collection method: clinical testing. Allele origin: germline.

Labcorp Genetics (formerly Invitae), Labcorp
Classification: Uncertain significance. Last evaluated: 2022-10-12. Review status: criteria provided, single submitter. Criteria: Invitae Variant Classification Sherloc (09022015). Collection method: clinical testing. Allele origin: germline.
Comment: In summary, the available evidence is currently insufficient to determine the role of this variant in disease. Therefore, it has been classified as a Variant of Uncertain Significance. Advanced modeling of protein sequence and biophysical properties (such as structural, functional, and spatial information, amino acid conservation, physicochemical variation, residue mobility, and thermodynamic stability) performed at Invitae indicates that this missense variant is not expected to disrupt ABRAXAS1 protein function. This variant has not been reported in the literature in individuals affected with ABRAXAS1-related conditions. This variant is not present in population databases (gnomAD no frequency). This sequence change replaces serine, which is neutral and polar, with proline, which is neutral and non-polar, at codon 11 of the ABRAXAS1 protein (p.Ser11Pro).